The following is an entry in ClinVar:

ClinVar aggregate classification (germline): Uncertain significance. Review status: criteria provided, multiple submitters, no conflicts (2 of 4 stars). 2 submissions from 2 submitters: Uncertain significance (2). Last evaluated 2026-06-15.

Conditions:
Inborn genetic diseases. Identifiers: MedGen C0950123, MeSH D030342.
KBG syndrome (KBGS). Also called: ANKRD11-Related KBG Syndrome. Identifiers: Orphanet 2332, MedGen C0220687, MONDO:0007846, OMIM 148050.

gnomAD v4.1: 38 of 1,441,002 alleles (0.0026%); highest among the groups gnomAD compares: South Asian, 0.013%; 1 homozygote.

Submissions (2):

Ambry Genetics
Classification: Uncertain significance for Inborn genetic diseases. Last evaluated: 2026-06-15. Review status: criteria provided, single submitter. Criteria: Ambry Variant Classification Scheme 2023. Collection method: clinical testing. Allele origin: germline.

Labcorp Genetics (formerly Invitae), Labcorp
Classification: Uncertain significance for KBG syndrome. Last evaluated: 2024-08-27. Review status: criteria provided, single submitter. Criteria: Invitae Variant Classification Sherloc (09022015). Collection method: clinical testing. Allele origin: germline.
Comment: This sequence change replaces arginine, which is basic and polar, with cysteine, which is neutral and slightly polar, at codon 2298 of the ANKRD11 protein (p.Arg2298Cys). This variant is not present in population databases (gnomAD no frequency). This variant has not been reported in the literature in individuals affected with ANKRD11-related conditions. Invitae Evidence Modeling of protein sequence and biophysical properties (such as structural, functional, and spatial information, amino acid conservation, physicochemical variation, residue mobility, and thermodynamic stability) indicates that this missense variant is not expected to disrupt ANKRD11 protein function with a negative predictive value of 95%. In summary, the available evidence is currently insufficient to determine the role of this variant in disease. Therefore, it has been classified as a Variant of Uncertain Significance.

NM_013275.6(ANKRD11):c.6892C>T (p.Arg2298Cys)

Gene: ANKRD11 (ankyrin repeat domain 11; minus strand). Cytogenetic location: 16q24.3.
Variant type: single nucleotide variant.
Coding change: c.6892C>T on transcript NM_013275.6 (MANE Select); coding-DNA position 6892, C replaced by T.
Protein change: p.Arg2298Cys; replaces arginine 2298 with cysteine.
Molecular consequence: missense variant.
Genome position (GRCh38, 1-based): chr16:89,279,650, G>A on the plus strand (C>T on the coding strand, the complement: ANKRD11 is on the minus strand). VCF-style: chr16-89279650-G-A. GRCh37 (hg19) VCF-style: chr16-89346058-G-A.
Other names: c.6892C>T (NM_013275.4); c.6892C>T, p.Arg2298Cys (NM_001256182.2, NM_001256183.2); short protein forms R2298C.
Identifiers: ClinVar variation 3675766 (VCV003675766.3).